The following is an entry in ClinVar:

NM_001429.4(EP300):c.6729C>T (p.Gly2243=)

Gene: EP300 (EP300 lysine acetyltransferase; plus strand). Cytogenetic location: 22q13.2.
Variant type: single nucleotide variant.
Coding change: c.6729C>T on transcript NM_001429.4 (MANE Select); coding-DNA position 6729, C replaced by T.
Protein change: p.Gly2243=; no amino-acid change (glycine 2243 retained).
Molecular consequence: synonymous variant.
Genome position (GRCh38, 1-based): chr22:41,178,440, C>T. VCF-style: chr22-41178440-C-T. GRCh37 (hg19) VCF-style: chr22-41574444-C-T.
Other names: c.6651C>T, p.Gly2217= (NM_001362843.2).
Identifiers: ClinVar variation 196678 (VCV000196678.27), dbSNP rs765194008, ClinGen allele CA202508.

ClinVar aggregate classification (germline): Benign/Likely benign. Review status: criteria provided, multiple submitters, no conflicts (2 of 4 stars). 6 submissions from 6 submitters: Benign (3); Likely benign (3). Last evaluated 2026-01-01.

Conditions:
Rubinstein-Taybi syndrome due to EP300 haploinsufficiency. Also called: RUBINSTEIN-TAYBI SYNDROME 2; EP300-Related Rubinstein-Taybi Syndrome. Identifiers: Orphanet 353284, Orphanet 783, MedGen C3150941, MONDO:0013364, OMIM 613684.

Allele frequency attached by ClinVar (database versions not stated): gnomAD 0.00007 and 0.00008; TOPMed 0.00023; ExAC 0.00054; gnomAD exomes 0.00068.
gnomAD v4.1: 194 of 1,613,964 alleles (0.012%); highest among the groups gnomAD compares: Admixed American, 0.32%; 2 homozygotes.

Submissions (6):

CeGaT Center for Human Genetics Tuebingen
Classification: Likely benign. Last evaluated: 2026-01-01. Review status: criteria provided, single submitter. Criteria: CeGaT Center For Human Genetics Tuebingen Variant Classification Criteria Version 2. Collection method: clinical testing. Allele origin: germline. Affected: yes. Observed: 1 variant allele.
Comment: EP300: BP4, BP7

Labcorp Genetics (formerly Invitae), Labcorp
Classification: Benign for Rubinstein-Taybi syndrome due to EP300 haploinsufficiency. Last evaluated: 2025-12-17. Review status: criteria provided, single submitter. Criteria: Invitae Variant Classification Sherloc (09022015). Collection method: clinical testing. Allele origin: germline.

GeneDx
Classification: Benign. Last evaluated: 2020-01-17. Review status: criteria provided, single submitter. Criteria: GeneDx Variant Classification Process June 2021. Collection method: clinical testing. Allele origin: germline. Affected: yes.

Blueprint Genetics
Classification: Likely benign. Last evaluated: 2019-12-16. Review status: criteria provided, single submitter. Criteria: ACMG Guidelines, 2015. Collection method: clinical testing. Allele origin: germline.

Eurofins Ntd Llc (ga)
Classification: Benign. Last evaluated: 2015-05-06. Review status: criteria provided, single submitter. Criteria: EGL Classification Definitions 2015. Collection method: clinical testing. Allele origin: germline. Observed: 1 variant allele, 1 heterozygote.

Genetic Services Laboratory, University of Chicago
Classification: Likely benign. Last evaluated: 2015-02-18. Review status: criteria provided, single submitter. Criteria: ACMG Guidelines, 2015. Collection method: clinical testing. Allele origin: germline.